The following is an entry in ClinVar:

NM_024740.2(ALG9):c.188A>G (p.Lys63Arg)

Gene: ALG9 (ALG9 alpha-1,2-mannosyltransferase; minus strand). Cytogenetic location: 11q23.1.
Variant type: single nucleotide variant.
Coding change: c.188A>G on transcript NM_024740.2 (MANE Select); coding-DNA position 188, A replaced by G.
Protein change: p.Lys63Arg; replaces lysine 63 with arginine.
Molecular consequence: missense variant. On other transcripts: 5 prime UTR variant (14), non-coding transcript variant (1), intron variant (1).
Genome position (GRCh38, 1-based): chr11:111,870,314, T>C on the plus strand (A>G on the coding strand, the complement: ALG9 is on the minus strand). VCF-style: chr11-111870314-T-C. GRCh37 (hg19) VCF-style: chr11-111741037-T-C.
Other names: c.188A>G, p.Lys63Arg (NM_001077690.1, NM_001352417.1, NM_001352418.1); c.-326A>G (NM_001077691.2, NM_001077692.2, NM_001352412.2 and 5 more transcripts); c.-330A>G (NM_001352410.1, NM_001352411.2, NM_001352413.1 and 2 more transcripts); c.-544A>G (NM_001352422.2); c.-244+1038A>G (NM_001352409.1); short protein forms K63R.
Identifiers: ClinVar variation 1035604 (VCV001035604.7), dbSNP rs781991188, ClinGen allele CA6274734.
Genomic context (GRCh38, chr11:111,870,314, plus strand): 5'-TCATCACAGTCAGAGATGTTGCTCAGGAGAGCAGCACATAACCTTGCTGAAAGCAGACAC[T>C]TGAAAGCAGTAGATCCTTCAGGTGCCCAGACTTGTCCTGCTTTGTTCCCAGATAACCTGT-3'
Protein context (NP_079016.2, residues 53-73): VWAPEGSTAF[Lys63Arg]CLLSARLCAA

ClinVar aggregate classification (germline): Uncertain significance (1 of 4 stars; one submission).

Conditions:
ALG9 congenital disorder of glycosylation (CDG1L). Also called: ALG9-CDG; CONGENITAL DISORDER OF GLYCOSYLATION, TYPE Il; CDG Il. Identifiers: Orphanet 79328, MedGen C2931006, MONDO:0012117, OMIM 608776.

Allele frequency attached by ClinVar (database versions not stated): TOPMed below 0.00001; gnomAD exomes 0.00001 and 0.00002; ExAC 0.00003.
gnomAD v4.1: 4 of 1,610,440 alleles (0.00025%); highest among the groups gnomAD compares: Non-Finnish European, 0.00025%; no homozygotes.

Submission:

Labcorp Genetics (formerly Invitae), Labcorp
Classification: Uncertain significance for ALG9 congenital disorder of glycosylation. Last evaluated: 2020-05-20. Review status: criteria provided, single submitter. Criteria: Invitae Variant Classification Sherloc (09022015). Collection method: clinical testing. Allele origin: germline.
Comment: In summary, the available evidence is currently insufficient to determine the role of this variant in disease. Therefore, it has been classified as a Variant of Uncertain Significance. Algorithms developed to predict the effect of missense changes on protein structure and function are either unavailable or do not agree on the potential impact of this missense change (SIFT: "Not Available"; PolyPhen-2: "Not Available"; Align-GVGD: "Not Available"). This variant has not been reported in the literature in individuals with ALG9-related conditions. This variant is present in population databases (rs781991188, ExAC 0.006%). This sequence change replaces lysine with arginine at codon 63 of the ALG9 protein (p.Lys63Arg). The lysine residue is highly conserved and there is a small physicochemical difference between lysine and arginine.